The following is an entry in ClinVar:

ClinVar aggregate classification (germline): Uncertain significance (1 of 4 stars; one submission).

Conditions:
Joubert syndrome. Also called: JOUBERT-BOLTSHAUSER SYNDROME; Familial aplasia of the vermis. Identifiers: Orphanet 475, MedGen C5979921, MONDO:0018772.
Meckel-Gruber syndrome. Also called: DYSENCEPHALIA SPLANCHNOCYSTICA; GRUBER SYNDROME; Dysencephalia splachnocystica. Identifiers: Orphanet 564, MedGen C0265215, MONDO:0018921.

Allele frequency attached by ClinVar (database versions not stated): gnomAD exomes below 0.00001; TOPMed below 0.00001.
gnomAD v4.1: 1 of 1,578,822 alleles (0.000063%); highest among the groups gnomAD compares: East Asian, 0.0023%; no homozygotes.

Submission:

Labcorp Genetics (formerly Invitae), Labcorp
Classification: Uncertain significance for Joubert syndrome; Meckel-Gruber syndrome. Last evaluated: 2022-05-20. Review status: criteria provided, single submitter. Criteria: Invitae Variant Classification Sherloc (09022015). Collection method: clinical testing. Allele origin: germline.
Comment: This sequence change replaces glutamine, which is neutral and polar, with arginine, which is basic and polar, at codon 490 of the CC2D2A protein (p.Gln490Arg). The frequency data for this variant in the population databases is considered unreliable, as metrics indicate poor data quality at this position in the gnomAD database. This variant has not been reported in the literature in individuals affected with CC2D2A-related conditions. Algorithms developed to predict the effect of missense changes on protein structure and function (SIFT, PolyPhen-2, Align-GVGD) all suggest that this variant is likely to be tolerated. In summary, the available evidence is currently insufficient to determine the role of this variant in disease. Therefore, it has been classified as a Variant of Uncertain Significance.

NM_001378615.1(CC2D2A):c.1469A>G (p.Gln490Arg)

Genes: CC2D2A (coiled-coil and C2 domain containing 2A; plus strand), FBXL5 (F-box and leucine rich repeat protein 5; minus strand). Cytogenetic location: 4p15.32.
Variant type: single nucleotide variant.
Coding change: c.1469A>G on transcript NM_001378615.1 (MANE Select); coding-DNA position 1469, A replaced by G.
Protein change: p.Gln490Arg; replaces glutamine 490 with arginine.
Molecular consequence: missense variant.
Genome position (GRCh38, 1-based): chr4:15,533,195, A>G. VCF-style: chr4-15533195-A-G. GRCh37 (hg19) VCF-style: chr4-15534818-A-G.
Other names: c.1469A>G, p.Gln490Arg (NM_001080522.2); c.1322A>G, p.Gln441Arg (NM_001378617.1); short protein forms Q441R, Q490R.
Identifiers: ClinVar variation 1995668 (VCV001995668.1), dbSNP rs1360208683, ClinGen allele CA356410827.